The following is an entry in ClinVar:

NM_001079843.3(CASZ1):c.5085GGACGACGACGA[1] (p.1695EDDD[1])

Gene: CASZ1 (castor zinc finger 1; minus strand). Cytogenetic location: 1p36.22.
Variant type: Microsatellite.
Coding change: c.5085GGACGACGACGA[1] on transcript NM_001079843.3 (MANE Select); one copy of the 12-base unit GGACGACGACGA starting at c.5085; the reference has two copies in a row; one copy, 12 bases deleted.
Protein change: p.1695EDDD[1].
Molecular consequence: inframe deletion.
Genome position (GRCh38, 1-based): chr1:10,639,114-10,639,125, TCGTCGTCGTCC deleted on the plus strand (GGACGACGACGA on the coding strand, the reverse complement: CASZ1 is on the minus strand); deleting any 12 consecutive bases within chr1:10,639,114-10,639,142 gives the same sequence; the position shown is the placement nearest the transcript's 3' end. VCF-style (leftmost placement, unchanged base first): chr1-10639113-GTCGTCGTCGTCC-G. GRCh37 (hg19) VCF-style: chr1-10699170-GTCGTCGTCGTCC-G.
Identifiers: ClinVar variation 1501069 (VCV001501069.22), dbSNP rs778912711, ClinGen allele CA584081.
Genomic context (GRCh38, chr1:10,639,113, plus strand): 5'-CAGCGACTCCTCCGAGTCGGTGCGCAGGTCCTCGTCGTCGTCGTCCTCGTCGTCGTCCTC[GTCGTCGTCGTCC>G]TCGTCGTCGTCCTCGTCCTCGTCGTCTTCGGCCTCCTCCTCCGGCAGCTCCAGCTCCTCC-3'

ClinVar aggregate classification (germline): Conflicting classifications of pathogenicity. Review status: criteria provided, conflicting classifications (1 of 4 stars). 4 submissions from 4 submitters: Uncertain significance (2); Likely benign (2). Last evaluated 2026-09-01.

Submissions (4):

CeGaT Center for Human Genetics Tuebingen
Classification: Likely benign. Last evaluated: 2026-09-01. Review status: criteria provided, single submitter. Criteria: CeGaT Center For Human Genetics Tuebingen Variant Classification Criteria Version 2. Collection method: clinical testing. Allele origin: germline. Affected: yes. Observed: 11 variant alleles.
Comment: CASZ1: BS1

Labcorp Genetics (formerly Invitae), Labcorp
Classification: Uncertain significance. Last evaluated: 2025-12-22. Review status: criteria provided, single submitter. Criteria: Invitae Variant Classification Sherloc (09022015). Collection method: clinical testing. Allele origin: germline.
Comment: This variant, c.5097_5108del, results in the deletion of 4 amino acid(s) of the CASZ1 protein (p.Glu1699_Asp1702del), but otherwise preserves the integrity of the reading frame. The frequency data for this variant in the population databases is considered unreliable, as metrics indicate poor data quality at this position in the gnomAD database. This variant has not been reported in the literature in individuals affected with CASZ1-related conditions. Experimental studies and prediction algorithms are not available or were not evaluated, and the functional significance of this variant is currently unknown. In summary, the available evidence is currently insufficient to determine the role of this variant in disease. Therefore, it has been classified as a Variant of Uncertain Significance.

Blueprint Genetics
Classification: Likely benign. Last evaluated: 2024-11-19. Review status: criteria provided, single submitter. Criteria: ACMG Guidelines, 2015. Collection method: clinical testing. Allele origin: germline.

Breakthrough Genomics
Classification: Uncertain significance. Review status: criteria provided, single submitter. Criteria: ACMG Guidelines, 2015. Collection method: not provided. Allele origin: germline. Inheritance: Unknown mechanism. Affected: yes.